The following is an entry in ClinVar:

NM_025081.3(NYNRIN):c.4675C>G (p.Pro1559Ala)

Gene: NYNRIN (NYN domain and retroviral integrase containing; plus strand). Cytogenetic location: 14q12.
Variant type: single nucleotide variant.
Coding change: c.4675C>G on transcript NM_025081.3 (MANE Select); coding-DNA position 4675, C replaced by G.
Protein change: p.Pro1559Ala; replaces proline 1559 with alanine.
Molecular consequence: missense variant.
Genome position (GRCh38, 1-based): chr14:24,416,424, C>G. VCF-style: chr14-24416424-C-G. GRCh37 (hg19) VCF-style: chr14-24885630-C-G.
Other names: c.4675C>G (NM_025081.2); short protein forms P1559A.
Identifiers: ClinVar variation 3602683 (VCV003602683.4).

ClinVar aggregate classification (germline): Uncertain significance. Review status: criteria provided, multiple submitters, no conflicts (2 of 4 stars). 3 submissions from 3 submitters: Uncertain significance (3). Last evaluated 2025-07-18.

Conditions:
Predisposition to Wilms tumor.

gnomAD v4.1: 11 of 1,612,790 alleles (0.00068%); highest among the groups gnomAD compares: Non-Finnish European, 0.00093%; no homozygotes.

Submissions (3):

Ambry Genetics
Classification: Uncertain significance. Last evaluated: 2025-07-18. Review status: criteria provided, single submitter. Criteria: Ambry Variant Classification Scheme 2023. Collection method: clinical testing. Allele origin: germline.

St. Jude Molecular Pathology, St. Jude Children's Research Hospital
Classification: Uncertain significance for Predisposition to Wilms tumor. Last evaluated: 2024-08-24. Review status: criteria provided, single submitter. Criteria: St. Jude Assertion Criteria 2020. Collection method: clinical testing. Allele origin: germline.
Comment: The NYNRIN c.4675C>G (p.Pro1559Ala) missense change has a maximum subpopulation frequency of 0.003% in gnomAD v2.1.1. The in silico tool REVEL predicts a benign effect on protein function, but to our knowledge this prediction has not been confirmed by functional studies. To our knowledge, this variant has not been reported in individuals with Wilms tumor. In summary, the evidence currently available is insufficient to determine the clinical significance of this variant. It has therefore been classified as of uncertain significance.

Labcorp Genetics (formerly Invitae), Labcorp
Classification: Uncertain significance. Last evaluated: 2024-07-09. Review status: criteria provided, single submitter. Criteria: Invitae Variant Classification Sherloc (09022015). Collection method: clinical testing. Allele origin: germline.
Comment: This sequence change replaces proline, which is neutral and non-polar, with alanine, which is neutral and non-polar, at codon 1559 of the NYNRIN protein (p.Pro1559Ala). This variant is present in population databases (rs764115157, gnomAD 0.003%). This variant has not been reported in the literature in individuals affected with NYNRIN-related conditions. Experimental studies and prediction algorithms are not available or were not evaluated, and the functional significance of this variant is currently unknown. In summary, the available evidence is currently insufficient to determine the role of this variant in disease. Therefore, it has been classified as a Variant of Uncertain Significance.